The following is an entry in ClinVar:

NM_017534.6(MYH2):c.5261C>T (p.Ala1754Val)

Genes: MYH2 (myosin heavy chain 2; minus strand), MYHAS (myosin heavy chain gene cluster antisense RNA; plus strand). Cytogenetic location: 17p13.1.
Variant type: single nucleotide variant.
Coding change: c.5261C>T on transcript NM_017534.6 (MANE Select); coding-DNA position 5261, C replaced by T.
Protein change: p.Ala1754Val; replaces alanine 1754 with valine.
Molecular consequence: missense variant.
Genome position (GRCh38, 1-based): chr17:10,523,799, G>A on the plus strand (C>T on the coding strand, the complement: MYH2 is on the minus strand). VCF-style: chr17-10523799-G-A. GRCh37 (hg19) VCF-style: chr17-10427116-G-A.
Other names: c.5261C>T, p.Ala1754Val (NM_001100112.2); short protein forms A1754V.
Identifiers: ClinVar variation 1371791 (VCV001371791.8), dbSNP rs747877150, ClinGen allele CA8390448.
Genomic context (GRCh38, chr17:10,523,799, plus strand): 5'-CAAGTGTGCCTGCCACTCACATCAGTGATGGCCTTCTTGGCCTTTTCTTCTGCATTGCGG[G>A]CTTCCTGGAGAATGTCCTCCATCTCTCCTTGCATTTGGGAAATATCTGTCTCCAGCTTCT-3'
Protein context (NP_060004.3, residues 1744-1764): QGEMEDILQE[Ala1754Val]RNAEEKAKKA

ClinVar aggregate classification (germline): Uncertain significance (1 of 4 stars; one submission).

Conditions:
Myopathy, proximal, and ophthalmoplegia (CMYO6). Also called: CONGENITAL MYOPATHY 6 WITH OPHTHALMOPLEGIA; INCLUSION BODY MYOPATHY 3, AUTOSOMAL DOMINANT; MYOPATHY WITH CONGENITAL JOINT CONTRACTURES, OPHTHALMOPLEGIA, AND RIMMED VACUOLES. Identifiers: Orphanet 363677, Orphanet 79091, MedGen C1854106, MONDO:0011577, OMIM 605637.

Allele frequency attached by ClinVar (database versions not stated): gnomAD exomes below 0.00001; ExAC 0.00001; gnomAD 0.00001; TOPMed 0.00001.
gnomAD v4.1: 7 of 1,614,082 alleles (0.00043%); highest among the groups gnomAD compares: Non-Finnish European, 0.00059%; no homozygotes.

Submission:

Labcorp Genetics (formerly Invitae), Labcorp
Classification: Uncertain significance for Myopathy, proximal, and ophthalmoplegia. Last evaluated: 2026-01-17. Review status: criteria provided, single submitter. Criteria: Invitae Variant Classification Sherloc (09022015). Collection method: clinical testing. Allele origin: germline.
Comment: This sequence change replaces alanine, which is neutral and non-polar, with valine, which is neutral and non-polar, at codon 1754 of the MYH2 protein (p.Ala1754Val). This variant is present in population databases (rs747877150, gnomAD 0.0009%). This variant has not been reported in the literature in individuals affected with MYH2-related conditions. ClinVar contains an entry for this variant (Variation ID: 1371791). Invitae Evidence Modeling of protein sequence and biophysical properties (such as structural, functional, and spatial information, amino acid conservation, physicochemical variation, residue mobility, and thermodynamic stability) indicates that this missense variant is not expected to disrupt MYH2 protein function with a negative predictive value of 80%. In summary, the available evidence is currently insufficient to determine the role of this variant in disease. Therefore, it has been classified as a Variant of Uncertain Significance.